The following is an entry in ClinVar:

ClinVar aggregate classification (germline): Likely benign (1 of 4 stars; one submission).

Submission:

CeGaT Center for Human Genetics Tuebingen
Classification: Likely benign. Last evaluated: 2025-11-01. Review status: criteria provided, single submitter. Criteria: CeGaT Center For Human Genetics Tuebingen Variant Classification Criteria Version 2. Collection method: clinical testing. Allele origin: germline. Affected: yes. Observed: 1 variant allele.
Comment: GOLGA8M: BP4, BP7

NM_001282468.3(GOLGA8M):c.1242G>A (p.Thr414=)

Gene: GOLGA8M (golgin A8 family member M; minus strand). Cytogenetic location: 15q13.1.
Variant type: single nucleotide variant.
Coding change: c.1242G>A on transcript NM_001282468.3 (MANE Select); coding-DNA position 1242, G replaced by A.
Protein change: p.Thr414=; no amino-acid change (threonine 414 retained).
Molecular consequence: synonymous variant.
Genome position (GRCh38, 1-based): chr15:28,703,876, C>T on the plus strand (G>A on the coding strand, the complement: GOLGA8M is on the minus strand). VCF-style: chr15-28703876-C-T. GRCh37 (hg19) VCF-style: chr15-28949022-C-T.
Identifiers: ClinVar variation 4533783 (VCV004533783.6).